The following is an entry in ClinVar:

Conditions:
Breast-ovarian cancer, familial, susceptibility to, 1 (BROVCA1). Also called: BRCA1 Hereditary Breast and Ovarian Cancer; OVARIAN CANCER, SUSCEPTIBILITY TO. Identifiers: Orphanet 145, MedGen C2676676, MONDO:0011450, OMIM 604370. Disease mechanism: loss of function.

Submission:

Brotman Baty Institute, University of Washington
No classification provided (evidence only). Condition: Breast-ovarian cancer, familial 1. Review status: no classification provided. Collection method: in vitro. Allele origin: not applicable. Functional consequence: functionally_abnormal.
ClinVar note: "not provided" was previously submitted as the classification for the variant. However, the classification appeared to be based only on an observation of functional data so it was converted to no classification on 2025-07-30.

NM_007294.4(BRCA1):c.129T>A (p.Phe43Leu)

Gene: BRCA1 (BRCA1 DNA repair associated; minus strand). Cytogenetic location: 17q21.31.
Variant type: single nucleotide variant.
Coding change: c.129T>A on transcript NM_007294.4 (MANE Select); coding-DNA position 129, T replaced by A.
Protein change: p.Phe43Leu; replaces phenylalanine 43 with leucine.
Molecular consequence: missense variant. On other transcripts: non-coding transcript variant (1), intron variant (1).
Genome position (GRCh38, 1-based): chr17:43,115,731, A>T on the plus strand (T>A on the coding strand, the complement: BRCA1 is on the minus strand). VCF-style: chr17-43115731-A-T. GRCh37 (hg19) VCF-style: chr17-41267748-A-T.
Other names: c.129T>A, p.Phe43Leu (NM_001407983.1, NM_001407984.1, NM_001407985.1 and 192 more transcripts); c.-13T>A (NM_001408410.1, NM_001408452.1, NM_001408453.1 and 47 more transcripts); c.-129T>A (NM_001408455.1, NM_001408456.1, NM_001408468.1 and 13 more transcripts); c.-133T>A (NM_001408465.1, NM_001407695.1); c.-60T>A (NM_001408478.1, NM_001408479.1, NM_001408480.1 and 52 more transcripts); c.-176T>A (NM_001408492.1, NM_001407889.1, NM_001407900.1); c.-175T>A (NM_001408510.1, NM_001408512.1, NM_001407960.1 and 1 more transcripts); c.-8+8286T>A (NM_007297.4); and 2 more; short protein forms F43L.
Identifiers: ClinVar variation 867831 (VCV000867831.3), dbSNP rs2055245756, ClinGen allele CA10601899.